The following is an entry in ClinVar:

NM_001735.3(C5):c.2383A>G (p.Thr795Ala)

Gene: C5 (complement C5; minus strand). Cytogenetic location: 9q33.2.
Variant type: single nucleotide variant.
Coding change: c.2383A>G on transcript NM_001735.3 (MANE Select); coding-DNA position 2383, A replaced by G.
Protein change: p.Thr795Ala; replaces threonine 795 with alanine.
Molecular consequence: missense variant.
Genome position (GRCh38, 1-based): chr9:121,006,943, T>C on the plus strand (A>G on the coding strand, the complement: C5 is on the minus strand). VCF-style: chr9-121006943-T-C. GRCh37 (hg19) VCF-style: chr9-123769221-T-C.
Other names: c.2401A>G, p.Thr801Ala (NM_001317163.2); c.2383A>G, p.Thr795Ala (NM_001317164.2); short protein forms T795A, T801A.
Identifiers: ClinVar variation 1522950 (VCV001522950.8), dbSNP rs2047221028, ClinGen allele CA374741146.
Genomic context (GRCh38, chr9:121,006,943, plus strand): 5'-ATATCACTTAAACCTGCTTACCAGTGTTTGAAATGCCAACGCCTTGAATTTCCCAGGTGG[T>C]TAGAGAATCAGGTAGGGCAAACTGCAACTGTTTTCTGGAAGTTAAAATGTTGATATTCAA-3'
Protein context (NP_001726.2, residues 785-805): QLQFALPDSL[Thr795Ala]TWEIQGVGIS

ClinVar aggregate classification (germline): Uncertain significance (1 of 4 stars; one submission).

Allele frequency attached by ClinVar (database versions not stated): gnomAD exomes below 0.00001; TOPMed below 0.00001.
gnomAD v4.1: 7 of 1,612,944 alleles (0.00043%); highest among the groups gnomAD compares: Non-Finnish European, 0.00051%; no homozygotes.

Submission:

Labcorp Genetics (formerly Invitae), Labcorp
Classification: Uncertain significance. Last evaluated: 2021-07-20. Review status: criteria provided, single submitter. Criteria: Invitae Variant Classification Sherloc (09022015). Collection method: clinical testing. Allele origin: germline.
Comment: In summary, the available evidence is currently insufficient to determine the role of this variant in disease. Therefore, it has been classified as a Variant of Uncertain Significance. Algorithms developed to predict the effect of sequence changes on RNA splicing suggest that this variant may create or strengthen a splice site. Algorithms developed to predict the effect of missense changes on protein structure and function are either unavailable or do not agree on the potential impact of this missense change (SIFT: "Tolerated"; PolyPhen-2: "Probably Damaging"; Align-GVGD: "Class C0"). This variant has not been reported in the literature in individuals affected with C5-related conditions. This variant is not present in population databases (ExAC no frequency). This sequence change replaces threonine with alanine at codon 795 of the C5 protein (p.Thr795Ala). The threonine residue is highly conserved and there is a small physicochemical difference between threonine and alanine.